The following is an entry in ClinVar:

NM_052854.4(CREB3L1):c.749del (p.Pro250fs)

Gene: CREB3L1 (cAMP responsive element binding protein 3 like 1; plus strand). Cytogenetic location: 11p11.2.
Variant type: Deletion.
Coding change: c.749del on transcript NM_052854.4 (MANE Select); coding-DNA position 749, one base deleted (C; older notation c.749delC).
Protein change: p.Pro250fs; shifts the reading frame from proline 250.
Molecular consequence: frameshift variant.
Genome position (GRCh38, 1-based): chr11:46,311,185, C deleted; the last of 4 consecutive C bases (chr11:46,311,182-46,311,185); deleting any one gives the same sequence. VCF-style (leftmost placement, unchanged base first): chr11-46311181-GC-G. GRCh37 (hg19) VCF-style: chr11-46332732-GC-G.
Other names: c.749delC, p.Pro250Leufs (NM_001425266.1); c.743delC, p.Pro248Leufs (NM_001425267.1); c.611delC, p.Pro204Leufs (NM_001425268.1); c.485delC, p.Pro162Leufs (NM_001425269.1); short protein forms P250fs.
Identifiers: ClinVar variation 2629659 (VCV002629659.2), dbSNP rs2496166225, ClinGen allele CA2613292047.

ClinVar aggregate classification (germline): Likely pathogenic (1 of 4 stars; one submission).

Conditions:
CREB3L1-related disorder. Also called: CREB3L1-related condition.

Submission:

PreventionGenetics, part of Exact Sciences
Classification: Likely pathogenic for CREB3L1-related condition. Last evaluated: 2025-12-09. Review status: criteria provided, single submitter. Criteria: ACMG Guidelines, 2015. Collection method: clinical testing. Allele origin: germline.
Comment: The CREB3L1 c.749delC variant is predicted to result in a frameshift and premature protein termination (p.Pro250Leufs*13). To our knowledge, this variant has not been reported in the literature or in large population databases, indicating that it is rare. However, nonsense and truncating variants located upstream and downstream have been interpreted as likely pathogenic or pathogenic in ClinVar. Based on this evidence, this variant is interpreted as likely pathogenic.